The following is an entry in ClinVar:

ClinVar aggregate classification (germline): Uncertain significance (1 of 4 stars; one submission).

Conditions:
Inborn genetic diseases. Identifiers: MedGen C0950123, MeSH D030342.

Submission:

Ambry Genetics
Classification: Uncertain significance for Inborn genetic diseases. Last evaluated: 2026-04-13. Review status: criteria provided, single submitter. Criteria: Ambry Variant Classification Scheme 2023. Collection method: clinical testing. Allele origin: germline.
Comment: The p.A440V variant (also known as c.1319C>T), located in coding exon 12 of the ANKRD26 gene, results from a C to T substitution at nucleotide position 1319. The alanine at codon 440 is replaced by valine, an amino acid with similar properties. This amino acid position is conserved. In addition, this alteration is predicted to be tolerated by in silico analysis. Based on the available evidence, the clinical significance of this variant remains unclear.

NM_014915.3(ANKRD26):c.1319C>T (p.Ala440Val)

Gene: ANKRD26 (ankyrin repeat domain 26; minus strand). Cytogenetic location: 10p12.1.
Variant type: single nucleotide variant.
Coding change: c.1319C>T on transcript NM_014915.3 (MANE Select); coding-DNA position 1319, C replaced by T.
Protein change: p.Ala440Val; replaces alanine 440 with valine.
Molecular consequence: missense variant.
Genome position (GRCh38, 1-based): chr10:27,064,032, G>A on the plus strand (C>T on the coding strand, the complement: ANKRD26 is on the minus strand). VCF-style: chr10-27064032-G-A. GRCh37 (hg19) VCF-style: chr10-27352961-G-A.
Other names: c.1319C>T, p.Ala440Val (NM_001256053.2); short protein forms A440V.
Identifiers: ClinVar variation 4859312 (VCV004859312.1).